The following is an entry in ClinVar:

NC_000012.11:g.(?_22086696)_(22089608_?)dup

Gene: ABCC9 (ATP binding cassette subfamily C member 9; minus strand). Cytogenetic location: 12p12.1.
Variant type: Duplication.
Identifiers: ClinVar variation 3244306 (VCV003244306.1).

ClinVar aggregate classification (germline): Uncertain significance (1 of 4 stars; one submission).

Conditions:
Dilated cardiomyopathy 1O (CMD1O). Also called: CARDIOMYOPATHY, DILATED, WITH VENTRICULAR TACHYCARDIA. Identifiers: Orphanet 154, MedGen C1837839, MONDO:0012062, OMIM 608569.

Submission:

Labcorp Genetics (formerly Invitae), Labcorp
Classification: Uncertain significance for Dilated cardiomyopathy 1O. Last evaluated: 2023-10-10. Review status: criteria provided, single submitter. Criteria: Invitae Variant Classification Sherloc (09022015). Collection method: clinical testing. Allele origin: unknown.
Comment: This variant results in a copy number gain of the genomic region encompassing exon(s) 1-2 of the ABCC9 gene. This region includes the initiator codon of the gene. This copy number gain extends beyond the assayed region for this gene and therefore may encompass additional genes. As the precise location of this event is unknown, it may be in tandem or it may be located elsewhere in the genome. This variant has not been reported in the literature in individuals affected with ABCC9-related conditions. Experimental studies and prediction algorithms are not available or were not evaluated, and the functional significance of this variant is currently unknown. In summary, the available evidence is currently insufficient to determine the role of this variant in disease. Therefore, it has been classified as a Variant of Uncertain Significance.